The following is an entry in ClinVar:

NM_000275.3(OCA2):c.2051T>G (p.Phe684Cys)

Gene: OCA2 (OCA2 melanosomal transmembrane protein; minus strand). Cytogenetic location: 15q13.1.
Variant type: single nucleotide variant.
Coding change: c.2051T>G on transcript NM_000275.3 (MANE Select); coding-DNA position 2051, T replaced by G.
Protein change: p.Phe684Cys; replaces phenylalanine 684 with cysteine.
Molecular consequence: missense variant.
Genome position (GRCh38, 1-based): chr15:27,926,155, A>C on the plus strand (T>G on the coding strand, the complement: OCA2 is on the minus strand). VCF-style: chr15-27926155-A-C. GRCh37 (hg19) VCF-style: chr15-28171301-A-C.
Other names: c.2051T>G (NM_000275.2); c.1979T>G, p.Phe660Cys (NM_001300984.2); short protein forms F660C, F684C.
Identifiers: ClinVar variation 2137630 (VCV002137630.7), dbSNP rs772754008, ClinGen allele CA7438785.

ClinVar aggregate classification (germline): Uncertain significance. Review status: criteria provided, multiple submitters, no conflicts (2 of 4 stars). 4 submissions from 4 submitters: Uncertain significance (4). Last evaluated 2025-12-15.

Conditions:
OCA2-related disorder. Also called: OCA2-related condition.

Allele frequency attached by ClinVar (database versions not stated): ExAC 0.00002; gnomAD 0.00002; TOPMed 0.00002.
gnomAD v4.1: 79 of 1,614,026 alleles (0.0049%); highest among the groups gnomAD compares: Non-Finnish European, 0.0066%; no homozygotes.

Submissions (4):

Labcorp Genetics (formerly Invitae), Labcorp
Classification: Uncertain significance. Last evaluated: 2025-12-15. Review status: criteria provided, single submitter. Criteria: Invitae Variant Classification Sherloc (09022015). Collection method: clinical testing. Allele origin: germline.
Comment: This sequence change replaces phenylalanine, which is neutral and non-polar, with cysteine, which is neutral and slightly polar, at codon 684 of the OCA2 protein (p.Phe684Cys). This variant is present in population databases (rs772754008, gnomAD 0.004%). This missense change has been observed in individuals with oculocutaneous albinism (PMID: 23504663, 29345414, 34838614). ClinVar contains an entry for this variant (Variation ID: 2137630). Invitae Evidence Modeling of protein sequence and biophysical properties (such as structural, functional, and spatial information, amino acid conservation, physicochemical variation, residue mobility, and thermodynamic stability) indicates that this missense variant is expected to disrupt OCA2 protein function with a positive predictive value of 80%. In summary, the available evidence is currently insufficient to determine the role of this variant in disease. Therefore, it has been classified as a Variant of Uncertain Significance.

PreventionGenetics, part of Exact Sciences
Classification: Uncertain significance for OCA2-related condition. Last evaluated: 2025-10-13. Review status: criteria provided, single submitter. Criteria: ACMG Guidelines, 2015. Collection method: clinical testing. Allele origin: germline.
Comment: The OCA2 c.2051T>G variant is predicted to result in the amino acid substitution p.Phe684Cys. This variant has been reported in individuals with oculocutaneous albinism (Simeonov et al. 2013. PubMed ID: 23504663; Table S3 in Lasseaux et al. 2018. PubMed ID: 29345414). This variant is reported in 0.0044% of alleles in individuals of European (Non-Finnish) descent in gnomAD. Both the allele frequencies from gnomAD and internal allele frequencies at PreventionGenetics suggest this variant is often found in cis with the frameshift variant c.2055del (p.Phe685Leufs*7). When c.2051T>G (p.Phe684Cys) is found in isolation without the frameshift variant, the clinical significance of this variant is uncertain due to the absence of conclusive functional and genetic evidence.

Women's Health and Genetics/Laboratory Corporation of America, LabCorp
Classification: Uncertain significance. Last evaluated: 2023-12-12. Review status: criteria provided, single submitter. Criteria: LabCorp Variant Classification Summary - May 2015. Collection method: clinical testing. Allele origin: germline.
Comment: Variant summary: OCA2 c.2051T>G (p.Phe684Cys) results in a non-conservative amino acid change located in the Citrate transporter-like domain of the encoded protein sequence. Five of five in-silico tools predict a damaging effect of the variant on protein function. The variant allele was found at a frequency of 2e-05 in 251236 control chromosomes. The available data on variant occurrences in the general population are insufficient to allow any conclusion about variant significance. c.2051T>G has been reported in the literature in individuals affected with Oculocutaneous Albinism as part of a complex allele or alone (Simeonov_2013, Wei_2022). These reports do not provide unequivocal conclusions about association of the variant with Oculocutaneous Albinism. To our knowledge, no experimental evidence demonstrating an impact on protein function has been reported. Two submitters have cited clinical-significance assessments for this variant to ClinVar after 2014. All submitters classified the variant as uncertain significance. Based on the evidence outlined above, the variant was classified as uncertain significance.

Greenwood Genetic Center Diagnostic Laboratories, Greenwood Genetic Center
Classification: Uncertain significance. Last evaluated: 2023-10-04. Review status: criteria provided, single submitter. Criteria: ACMG Guidelines, 2015. Collection method: clinical testing. Allele origin: germline. Affected: yes.
Comment: PP3, PM2

Literature cited by the submitters: PubMed 23504663 (cited by Labcorp Genetics (formerly Invitae), Labcorp and Women's Health and Genetics/Laboratory Corporation of America, LabCorp); PubMed 29345414 (cited by Labcorp Genetics (formerly Invitae), Labcorp); PubMed 34838614 (cited by Labcorp Genetics (formerly Invitae), Labcorp and Women's Health and Genetics/Laboratory Corporation of America, LabCorp).